The following is an entry in ClinVar:

NM_005631.5(SMO):c.538-10dup

Gene: SMO (smoothened, frizzled class receptor; plus strand). Cytogenetic location: 7q32.1.
Variant type: Duplication.
Coding change: c.538-10dup on transcript NM_005631.5 (MANE Select); 10 bases into the intron before coding-DNA position 538, one base duplicated (C; older notation c.538-10dupC).
Molecular consequence: intron variant.
Genome position (GRCh38, 1-based): chr7:129,205,193, C duplicated; the last of 3 consecutive C bases (chr7:129,205,191-129,205,193); duplicating any one gives the same sequence. VCF-style (leftmost placement, unchanged base first): chr7-129205190-T-TC. GRCh37 (hg19) VCF-style: chr7-128845031-T-TC.
Identifiers: ClinVar variation 1706126 (VCV001706126.3), dbSNP rs764173699, ClinGen allele CA4479130.

ClinVar aggregate classification (germline): Uncertain significance (1 of 4 stars; one submission).

Submission:

GeneDx
Classification: Uncertain significance. Last evaluated: 2022-12-08. Review status: criteria provided, single submitter. Criteria: GeneDx Variant Classification Process June 2021. Collection method: clinical testing. Allele origin: germline.
Comment: In-silico analysis is inconclusive as to whether the variant alters gene splicing. In the absence of RNA/functional studies, the actual effect of this sequence change is unknown.; Has not been previously published as pathogenic or benign to our knowledge